The following is an entry in ClinVar:

ClinVar aggregate classification (germline): Uncertain significance. Review status: criteria provided, multiple submitters, no conflicts (2 of 4 stars). 2 submissions from 2 submitters: Uncertain significance (2). Last evaluated 2025-08-27.

Conditions:
Inborn genetic diseases. Identifiers: MedGen C0950123, MeSH D030342.

gnomAD v4.1: 8 of 1,613,998 alleles (0.0005%); highest among the groups gnomAD compares: Non-Finnish European, 0.00068%; no homozygotes.

Submissions (2):

Ambry Genetics
Classification: Uncertain significance for Inborn genetic diseases. Last evaluated: 2025-08-27. Review status: criteria provided, single submitter. Criteria: Ambry Variant Classification Scheme 2023. Collection method: clinical testing. Allele origin: germline.

Labcorp Genetics (formerly Invitae), Labcorp
Classification: Uncertain significance. Last evaluated: 2025-07-02. Review status: criteria provided, single submitter. Criteria: Invitae Variant Classification Sherloc (09022015). Collection method: clinical testing. Allele origin: germline.
Comment: This sequence change replaces proline, which is neutral and non-polar, with leucine, which is neutral and non-polar, at codon 358 of the SEC61A1 protein (p.Pro358Leu). This variant is present in population databases (no rsID available, gnomAD 0.002%). This variant has not been reported in the literature in individuals affected with SEC61A1-related conditions. ClinVar contains an entry for this variant (Variation ID: 3716671). Invitae Evidence Modeling of protein sequence and biophysical properties (such as structural, functional, and spatial information, amino acid conservation, physicochemical variation, residue mobility, and thermodynamic stability) indicates that this missense variant is expected to disrupt SEC61A1 protein function with a positive predictive value of 80%. In summary, the available evidence is currently insufficient to determine the role of this variant in disease. Therefore, it has been classified as a Variant of Uncertain Significance.

NM_013336.4(SEC61A1):c.1073C>T (p.Pro358Leu)

Genes: RUVBL1 (RuvB like AAA ATPase 1; minus strand), SEC61A1 (SEC61 translocon subunit alpha 1; plus strand). Cytogenetic location: 3q21.3.
Variant type: single nucleotide variant.
Coding change: c.1073C>T on transcript NM_013336.4 (MANE Select); coding-DNA position 1073, C replaced by T.
Protein change: p.Pro358Leu; replaces proline 358 with leucine.
Molecular consequence: missense variant. On other transcripts: intron variant (1).
Genome position (GRCh38, 1-based): chr3:128,067,518, C>T. VCF-style: chr3-128067518-C-T. GRCh37 (hg19) VCF-style: chr3-127786361-C-T.
Other names: c.1091C>T, p.Pro364Leu (NM_001400328.1); c.914C>T, p.Pro305Leu (NM_001400329.1); c.940-2298G>A (NM_001319086.1); short protein forms P358L, P305L, P364L.
Identifiers: ClinVar variation 3716671 (VCV003716671.3).
Genomic context (GRCh38, chr3:128,067,518, plus strand): 5'-TTGGTGGCCTTTGCTATTACCTGTCCCCTCCAGAATCTTTTGGCTCCGTGTTAGAAGACC[C>T]GGTCCATGCAGTTGTATACATAGTGTTCATGCTGGGCTCCTGTGCATTCTTCTCCAAAAC-3'
Protein context (NP_037468.1, residues 348-368): PESFGSVLED[Pro358Leu]VHAVVYIVFM